The following is an entry in ClinVar:

ClinVar aggregate classification (germline): Benign/Likely benign. Review status: criteria provided, multiple submitters, no conflicts (2 of 4 stars). 12 submissions from 12 submitters: Benign (9); Likely benign (1). 2 of the submissions do not count toward it. Last evaluated 2026-02-04.

Conditions:
Combined immunodeficiency due to LRBA deficiency. Also called: Common variable immunodeficiency 8, with autoimmunity. Identifiers: Orphanet 445018, MedGen C3553512, MONDO:0013863, OMIM 614700.

Allele frequency attached by ClinVar (database versions not stated): 1000 Genomes Project 30x 0.75000; 1000 Genomes Project 0.75300; TOPMed 0.82464; gnomAD 0.83040 and 0.83135; ESP Exome Variant Server 0.83577; ExAC 0.85691; gnomAD exomes 0.86189 and 0.91360.
gnomAD v4.1: 1,389,218 of 1,535,700 alleles (90%); highest among the groups gnomAD compares: Non-Finnish European, 94%; 633,998 homozygotes.

Submissions (12):

Labcorp Genetics (formerly Invitae), Labcorp
Classification: Benign for Combined immunodeficiency due to LRBA deficiency. Last evaluated: 2026-02-04. Review status: criteria provided, single submitter. Criteria: Invitae Variant Classification Sherloc (09022015). Collection method: clinical testing. Allele origin: germline.

Women's Health and Genetics/Laboratory Corporation of America, LabCorp
Classification: Benign. Last evaluated: 2026-01-21. Review status: criteria provided, single submitter. Criteria: LabCorp Variant Classification Summary - May 2015. Collection method: clinical testing. Allele origin: germline.

Blueprint Genetics
Classification: Likely benign. Last evaluated: 2024-11-26. Review status: criteria provided, single submitter. Criteria: ACMG Guidelines, 2015. Collection method: clinical testing. Allele origin: germline.

Unidad de Genómica Garrahan, Hospital de Pediatría Garrahan
Classification: Benign. Last evaluated: 2023-11-12. Review status: criteria provided, single submitter. Criteria: ACMG Guidelines, 2015. Collection method: clinical testing. Allele origin: germline. Affected: no. Observed: 95 variant alleles.
Comment: This variant is classified as Benign based on local population frequency. This variant was detected in 99% of patients studied by a panel of primary immunodeficiencies. Number of patients: 95. Only high quality variants are reported.

Genome-Nilou Lab
Classification: Benign for Combined immunodeficiency due to LRBA deficiency. Last evaluated: 2021-08-19. Review status: criteria provided, single submitter. Criteria: ACMG Guidelines, 2015. Collection method: clinical testing. Allele origin: germline. Affected: no.

Mayo Clinic Laboratories, Mayo Clinic
Classification: Benign. Last evaluated: 2016-09-30. Review status: criteria provided, single submitter. Criteria: ACMG Guidelines, 2015. Collection method: clinical testing. Allele origin: germline. Observed: 1,092 variant alleles.

Laboratory for Molecular Medicine, Mass General Brigham Personalized Medicine
Classification: Benign. Last evaluated: 2016-03-29. Review status: criteria provided, single submitter. Criteria: LMM Criteria. Collection method: clinical testing. Allele origin: germline.
Comment: Variant identified in a genome or exome case(s) and assessed due to predicted null impact of the variant or pathogenic assertions in the literature or databases. Disclaimer: This variant has not undergone full assessment. The following are preliminary notes: Frequency

GeneDx
Classification: Benign. Last evaluated: 2015-05-26. Review status: criteria provided, single submitter. Criteria: GeneDx Variant Classification (06012015). Collection method: clinical testing. Allele origin: germline. Affected: yes.
Comment: This variant is considered likely benign or benign based on one or more of the following criteria: it is a conservative change, it occurs at a poorly conserved position in the protein, it is predicted to be benign by multiple in silico algorithms, and/or has population frequency not consistent with disease.

Eurofins Ntd Llc (ga)
Classification: Benign. Last evaluated: 2015-04-10. Review status: criteria provided, single submitter. Criteria: EGL Classification Definitions 2015. Collection method: clinical testing. Allele origin: germline. Observed: 6 variant alleles, 2 heterozygotes, 4 homozygotes.

Breakthrough Genomics
Classification: Benign. Review status: criteria provided, single submitter. Criteria: ACMG Guidelines, 2015. Collection method: not provided. Allele origin: germline. Inheritance: Autosomal recessive inheritance. Affected: yes.

Diagnostic Laboratory, Department of Genetics, University Medical Center Groningen
Classification: Benign. Review status: no assertion criteria provided. Collection method: clinical testing. Allele origin: germline. Affected: yes. Study: VKGL Data-share Consensus. Not counted in ClinVar's aggregate classification.

Joint Genome Diagnostic Labs from Nijmegen and Maastricht, Radboudumc and MUMC+
Classification: Benign. Review status: no assertion criteria provided. Collection method: clinical testing. Allele origin: germline. Affected: yes. Study: VKGL Data-share Consensus. Not counted in ClinVar's aggregate classification.

NM_001364905.1(LRBA):c.4569+9C>T

Gene: LRBA (LPS responsive beige-like anchor protein; minus strand). Cytogenetic location: 4q31.3.
Variant type: single nucleotide variant.
Coding change: c.4569+9C>T on transcript NM_001364905.1 (MANE Select); 9 bases into the intron after coding-DNA position 4569, C replaced by T.
Molecular consequence: intron variant.
Genome position (GRCh38, 1-based): chr4:150,844,091, G>A on the plus strand (C>T on the coding strand, the complement: LRBA is on the minus strand). VCF-style: chr4-150844091-G-A. GRCh37 (hg19) VCF-style: chr4-151765243-G-A.
Other names: p.?; c.4569+9C>T (NM_001367550.1, NM_006726.5, NM_001199282.3 and 2 more transcripts).
Identifiers: ClinVar variation 196133 (VCV000196133.28), dbSNP rs186080, ClinGen allele CA202158.
Genomic context (GRCh38, chr4:150,844,091, plus strand): 5'-CAATACATTAGGCCTAAGAGGAAATATGCATCAGTTAAGAGAGTATGTGAAAGACATATT[G>A]TAACTTACTATGTCTCTGAAAACAACTGCCCTAAGCCGATTAATATCCATGTCCTGTAGA-3'